The following is an entry in ClinVar:

ClinVar aggregate classification (germline): Uncertain significance (1 of 4 stars; one submission).

Conditions:
Generalized epilepsy with febrile seizures plus, type 7 (GEFSP7). Also called: GEFS+, TYPE 7. Identifiers: Orphanet 36387, MedGen C2751778, MONDO:0013470, OMIM 613863.
Neuropathy, hereditary sensory and autonomic, type 2A (HSAN2A). Also called: WNK1-Related HSAN2 (HSAN2A); HSAN IIA; NEUROPATHY, CONGENITAL SENSORY; MORVAN DISEASE; NEUROPATHY, HEREDITARY SENSORY RADICULAR, AUTOSOMAL RECESSIVE; NEUROPATHY, HEREDITARY SENSORY, TYPE IIA. Identifiers: Orphanet 970, MedGen C2752089, MONDO:0024309, OMIM 201300.

Allele frequency attached by ClinVar (database versions not stated): gnomAD exomes below 0.00001.
gnomAD v4.1: 1 of 1,584,276 alleles (0.000063%); highest among the groups gnomAD compares: Non-Finnish European, 0.000086%; no homozygotes.

Submission:

Labcorp Genetics (formerly Invitae), Labcorp
Classification: Uncertain significance for Neuropathy, hereditary sensory and autonomic, type 2A; Generalized epilepsy with febrile seizures plus, type 7. Last evaluated: 2021-07-25. Review status: criteria provided, single submitter. Criteria: Invitae Variant Classification Sherloc (09022015). Collection method: clinical testing. Allele origin: germline.
Comment: In summary, the available evidence is currently insufficient to determine the role of this variant in disease. Therefore, it has been classified as a Variant of Uncertain Significance. Algorithms developed to predict the effect of missense changes on protein structure and function are either unavailable or do not agree on the potential impact of this missense change (SIFT: "Tolerated"; PolyPhen-2: "Probably Damaging"; Align-GVGD: "Class C0"). This variant has not been reported in the literature in individuals affected with SCN9A-related conditions. This variant is not present in population databases (ExAC no frequency). This sequence change replaces isoleucine with valine at codon 1275 of the SCN9A protein (p.Ile1275Val). The isoleucine residue is highly conserved and there is a small physicochemical difference between isoleucine and valine.

NM_001365536.1(SCN9A):c.3856A>G (p.Ile1286Val)

Genes: SCN1A-AS1 (SCN1A and SCN9A antisense RNA 1; plus strand), SCN9A (sodium voltage-gated channel alpha subunit 9; minus strand). Cytogenetic location: 2q24.3.
Variant type: single nucleotide variant.
Coding change: c.3856A>G on transcript NM_001365536.1 (MANE Select); coding-DNA position 3856, A replaced by G.
Protein change: p.Ile1286Val; replaces isoleucine 1286 with valine.
Molecular consequence: missense variant.
Genome position (GRCh38, 1-based): chr2:166,233,408, T>C on the plus strand (A>G on the coding strand, the complement: SCN9A is on the minus strand). VCF-style: chr2-166233408-T-C. GRCh37 (hg19) VCF-style: chr2-167089918-T-C.
Other names: c.3823A>G, p.Ile1275Val (NM_002977.4); short protein forms I1275V, I1286V.
Identifiers: ClinVar variation 1369816 (VCV001369816.8), dbSNP rs1695181186, ClinGen allele CA349066533.